The following is an entry in ClinVar:

ClinVar aggregate classification (germline): Conflicting classifications of pathogenicity. Review status: criteria provided, conflicting classifications (1 of 4 stars). 4 submissions from 4 submitters: Uncertain significance (3); Benign (1). Last evaluated 2026-01-19.

Conditions:
Irido-corneo-trabecular dysgenesis (ASGD5). Also called: ANTERIOR SEGMENT DYSGENESIS 5. Identifiers: Orphanet 708, MedGen C0344559, MONDO:0011414, OMIM 604229, HP:0000659.
Glaucoma 3A. Also called: Glaucoma 3, primary congenital, A. Identifiers: Orphanet 98976, Orphanet 98977, MedGen C1856439, MONDO:0009277, OMIM 231300.
Congenital glaucoma. Identifiers: MedGen C0020302, MONDO:0020366.

Allele frequency attached by ClinVar (database versions not stated): gnomAD 0.00011 and 0.00012; TOPMed 0.00020; 1000 Genomes Project 30x 0.00031; gnomAD exomes 0.00034; 1000 Genomes Project 0.00040; ExAC 0.00065.

Submissions (4):

Labcorp Genetics (formerly Invitae), Labcorp
Classification: Benign for Congenital glaucoma. Last evaluated: 2026-01-19. Review status: criteria provided, single submitter. Criteria: Invitae Variant Classification Sherloc (09022015). Collection method: clinical testing. Allele origin: germline.

Women's Health and Genetics/Laboratory Corporation of America, LabCorp
Classification: Uncertain significance. Last evaluated: 2022-05-13. Review status: criteria provided, single submitter. Criteria: LabCorp Variant Classification Summary - May 2015. Collection method: clinical testing. Allele origin: germline.
Comment: Variant summary: CYP1B1 c.319C>G (p.Leu107Val) results in a conservative amino acid change in the encoded protein sequence. Four of five in-silico tools predict a damaging effect of the variant on protein function. The variant allele was found at a frequency of 0.00034 in 196756 control chromosomes, predominantly at a frequency of 0.0042 within the East Asian subpopulation in the gnomAD database. This frequency similar to the expected for a pathogenic variant in CYP1B1 causing Primary Congenital Glaucoma (0.00034 vs 0.0043), suggesting the variant might be a polymorphism found in the East Asian population. c.319C>G has been reported in the literature in individuals affected with Primary Congenital Glaucoma without strong evidence for causality, as well as in controls and unaffected individuals (eg. Chen_2008, Kim_2011, Chen_2014, Chen_2015, Gong_2015, Qiao_2021). These reports do not provide unequivocal conclusions about association of the variant with Primary Congenital Glaucoma. To our knowledge, no experimental evidence demonstrating an impact on protein function has been reported. Four clinical diagnostic laboratories have submitted clinical-significance assessments for this variant to ClinVar after 2014 without evidence for independent evaluation. Three submitters classified the variant as VUS while one classified as benign. Based on the evidence outlined above, the variant was classified as uncertain significance.

Illumina Laboratory Services, Illumina
Classification: Uncertain significance for Irido-corneo-trabecular dysgenesis. Last evaluated: 2017-04-27. Review status: criteria provided, single submitter. Criteria: ICSL Variant Classification Criteria 13 December 2019. Collection method: clinical testing. Allele origin: germline.
Comment: This variant was observed as part of a predisposition screen in an ostensibly healthy population. A literature search was performed for the gene, cDNA change, and amino acid change (where applicable). Publications were found based on this search. However, the evidence from the literature, in combination with allele frequency data from public databases where available, was not sufficient to rule this variant in or out of causing disease. Therefore, this variant is classified as a variant of unknown significance.

Soonchunhyang University Bucheon Hospital, Soonchunhyang University Medical Center
Classification: Uncertain significance for Glaucoma 3A. Last evaluated: 2016-03-18. Review status: criteria provided, single submitter. Criteria: ACMG Guidelines, 2015. Collection method: reference population. Allele origin: germline. Observed: 1 variant allele.

Literature cited by the submitters: PubMed 26550445 (cited by Women's Health and Genetics/Laboratory Corporation of America, LabCorp); PubMed 24227805 (cited by Women's Health and Genetics/Laboratory Corporation of America, LabCorp); PubMed 21850185 (cited by Women's Health and Genetics/Laboratory Corporation of America, LabCorp); PubMed 18852424 (cited by 3 submitters); PubMed 25527694 (cited by Women's Health and Genetics/Laboratory Corporation of America, LabCorp); PubMed 32883240 (cited by Women's Health and Genetics/Laboratory Corporation of America, LabCorp); PubMed 34956319 (cited by Women's Health and Genetics/Laboratory Corporation of America, LabCorp).

NM_000104.4(CYP1B1):c.319C>G (p.Leu107Val)

Gene: CYP1B1 (cytochrome P450 family 1 subfamily B member 1; minus strand). Cytogenetic location: 2p22.2.
Variant type: single nucleotide variant.
Coding change: c.319C>G on transcript NM_000104.4 (MANE Select); coding-DNA position 319, C replaced by G.
Protein change: p.Leu107Val; replaces leucine 107 with valine.
Molecular consequence: missense variant.
Genome position (GRCh38, 1-based): chr2:38,075,070, G>C on the plus strand (C>G on the coding strand, the complement: CYP1B1 is on the minus strand). VCF-style: chr2-38075070-G-C. GRCh37 (hg19) VCF-style: chr2-38302213-G-C.
Other names: short protein forms L107V.
Identifiers: ClinVar variation 225334 (VCV000225334.20), dbSNP rs56339482, ClinGen allele CA1620057.
Genomic context (GRCh38, chr2:38,075,070, plus strand): 5'-ACACCACACGGAAGGAGGCGAAGGCCGGCCGGTCGGCGAAGGCCGAGCCCTGCTGCACCA[G>C]GGCCTGGTGGATGGCGCGCTCGCCATTCAGCACCACTATGGGGCAGCTGCCCAGGCGGAT-3'
Protein context (NP_000095.2, residues 97-117): LNGERAIHQA[Leu107Val]VQQGSAFADR